The following is an entry in ClinVar:

NM_032043.3(BRIP1):c.1271G>A (p.Ser424Asn)

Gene: BRIP1 (BRCA1 interacting DNA helicase 1; minus strand). Cytogenetic location: 17q23.2.
Variant type: single nucleotide variant.
Coding change: c.1271G>A on transcript NM_032043.3 (MANE Select); coding-DNA position 1271, G replaced by A.
Protein change: p.Ser424Asn; replaces serine 424 with asparagine.
Molecular consequence: missense variant.
Genome position (GRCh38, 1-based): chr17:61,799,169, C>T on the plus strand (G>A on the coding strand, the complement: BRIP1 is on the minus strand). VCF-style: chr17-61799169-C-T. GRCh37 (hg19) VCF-style: chr17-59876530-C-T.
Other names: short protein forms S424N.
Identifiers: ClinVar variation 489806 (VCV000489806.26), dbSNP rs1354610577, ClinGen allele CA400483561.

ClinVar aggregate classification (germline): Uncertain significance. Review status: criteria provided, multiple submitters, no conflicts (2 of 4 stars). 8 submissions from 8 submitters: Uncertain significance (8). Last evaluated 2025-11-19.

Conditions:
Fanconi anemia complementation group J. Also called: BRIP1-Related Fanconi Anemia. Identifiers: Orphanet 84, MedGen C1836860, MONDO:0012187, OMIM 609054.
Familial cancer of breast. Also called: BREAST CANCER, FAMILIAL; hereditary breast carcinoma; Hereditary breast cancer. Identifiers: Orphanet 227535, MedGen C0346153, MONDO:0016419, OMIM 114480. Disease mechanism: loss of function.
Hereditary cancer-predisposing syndrome. Also called: Tumor predisposition; Neoplastic Syndromes, Hereditary; Hereditary Cancer Syndrome; Hereditary neoplastic syndrome. Identifiers: Orphanet 140162, MedGen C0027672, MeSH D009386, MONDO:0015356.

Allele frequency attached by ClinVar (database versions not stated): gnomAD exomes below 0.00001; TOPMed below 0.00001.
gnomAD v4.1: 5 of 1,613,708 alleles (0.00031%); highest among the groups gnomAD compares: Non-Finnish European, 0.00025%; no homozygotes.

Submissions (8):

Labcorp Genetics (formerly Invitae), Labcorp
Classification: Uncertain significance for Familial cancer of breast; Fanconi anemia complementation group J. Last evaluated: 2025-11-19. Review status: criteria provided, single submitter. Criteria: Invitae Variant Classification Sherloc (09022015). Collection method: clinical testing. Allele origin: germline.
Comment: This sequence change replaces serine, which is neutral and polar, with asparagine, which is neutral and polar, at codon 424 of the BRIP1 protein (p.Ser424Asn). This variant is present in population databases (no rsID available, gnomAD 0.0009%). This missense change has been observed in individual(s) with breast cancer (PMID: 34326862). ClinVar contains an entry for this variant (Variation ID: 489806). Invitae Evidence Modeling of protein sequence and biophysical properties (such as structural, functional, and spatial information, amino acid conservation, physicochemical variation, residue mobility, and thermodynamic stability) indicates that this missense variant is not expected to disrupt BRIP1 protein function with a negative predictive value of 95%. In summary, the available evidence is currently insufficient to determine the role of this variant in disease. Therefore, it has been classified as a Variant of Uncertain Significance.

Center for Genomic Medicine, Rigshospitalet, Copenhagen University Hospital
Classification: Uncertain significance. Last evaluated: 2025-03-04. Review status: criteria provided, single submitter. Criteria: ACMG Guidelines, 2015. Collection method: clinical testing. Allele origin: germline.

Color Diagnostics, LLC DBA Color Health
Classification: Uncertain significance for Hereditary cancer-predisposing syndrome. Last evaluated: 2024-03-06. Review status: criteria provided, single submitter. Criteria: ACMG Guidelines, 2015. Collection method: clinical testing. Allele origin: germline.
Comment: This missense variant replaces serine with asparagine at codon 424 of the BRIP1 protein. Computational prediction suggests that this variant may not impact protein structure and function (internally defined REVEL score threshold <= 0.5, PMID: 27666373). To our knowledge, functional studies have not been reported for this variant. This variant has not been reported in individuals affected with hereditary cancer in the literature. This variant has been identified in 1/251214 chromosomes in the general population by the Genome Aggregation Database (gnomAD). The available evidence is insufficient to determine the role of this variant in disease conclusively. Therefore, this variant is classified as a Variant of Uncertain Significance.

Baylor Genetics
Classification: Uncertain significance for Familial cancer of breast. Last evaluated: 2023-10-15. Review status: criteria provided, single submitter. Criteria: ACMG Guidelines, 2015. Collection method: clinical testing. Allele origin: unknown.

Ambry Genetics
Classification: Uncertain significance for Hereditary cancer-predisposing syndrome. Last evaluated: 2023-04-01. Review status: criteria provided, single submitter. Criteria: Ambry Variant Classification Scheme 2023. Collection method: clinical testing. Allele origin: germline.
Comment: The p.S424N variant (also known as c.1271G>A), located in coding exon 8 of the BRIP1 gene, results from a G to A substitution at nucleotide position 1271. The serine at codon 424 is replaced by asparagine, an amino acid with highly similar properties. This amino acid position is not well conserved in available vertebrate species. In addition, this alteration is predicted to be tolerated by in silico analysis. Since supporting evidence is limited at this time, the clinical significance of this alteration remains unclear.

Department of Pathology and Laboratory Medicine, Sinai Health System
Classification: Uncertain significance for Familial cancer of breast. Last evaluated: 2022-03-29. Review status: criteria provided, single submitter. Criteria: ACMG Guidelines, 2015. Collection method: clinical testing. Allele origin: germline. Affected: yes.

GeneDx
Classification: Uncertain significance. Last evaluated: 2022-02-04. Review status: criteria provided, single submitter. Criteria: GeneDx Variant Classification Process June 2021. Collection method: clinical testing. Allele origin: germline. Affected: yes.
Comment: Not observed at significant frequency in large population cohorts (gnomAD); In silico analysis supports that this missense variant does not alter protein structure/function; Has not been previously published as pathogenic or benign to our knowledge

Genetic Services Laboratory, University of Chicago
Classification: Uncertain significance. Last evaluated: 2019-08-27. Review status: criteria provided, single submitter. Criteria: ACMG Guidelines, 2015. Collection method: clinical testing. Allele origin: germline. Affected: no.

Literature cited by the submitters: PubMed 34326862 (cited by Labcorp Genetics (formerly Invitae), Labcorp).